The following is an entry in ClinVar:

ClinVar aggregate classification (germline): Pathogenic. Review status: criteria provided, multiple submitters, no conflicts (2 of 4 stars). 4 submissions from 4 submitters: Pathogenic (4). Last evaluated 2025-09-08.

Conditions:
Congenital anomalies of kidney and urinary tract syndrome with or without hearing loss, abnormal ears, or developmental delay. Also called: Congenital Anomalies of the Kidney and Urinary Tract syndrome with or without Hearing Loss, Abnormal Ears, or Developmental Delay. Identifiers: Orphanet 656130, MedGen C4539968, MONDO:0060549, OMIM 617641.
PBX1-related disorder. Also called: PBX1-related condition.

Allele frequency attached by ClinVar (database versions not stated): gnomAD 0.00001.
gnomAD v4.1: 1 of 1,613,072 alleles (0.000062%); highest among the groups gnomAD compares: Non-Finnish European, 0.000085%; no homozygotes.

Submissions (4):

Victorian Clinical Genetics Services, Murdoch Childrens Research Institute
Classification: Pathogenic for Congenital anomalies of kidney and urinary tract syndrome with or without hearing loss, abnormal ears, or developmental delay. Last evaluated: 2025-09-08. Review status: criteria provided, single submitter. Criteria: ACMG Guidelines, 2015. Collection method: clinical testing. Allele origin: germline. Affected: yes.
Comment: This variant is classified as Pathogenic. Evidence in support of pathogenic classification: Variant is predicted to cause nonsense-mediated decay (NMD) and loss of protein (premature termination codon is located at least 54 nucleotides upstream of the final exon-exon junction); Variant is present in gnomAD <0.001 for a dominant condition (v4: 1 heterozygote(s), 0 homozygote(s)); This variant has strong previous evidence of pathogenicity in unrelated individuals. It has been classified as pathogenic by clinical laboratories in ClinVar. In addition, it has been reported in the literature and DECIPHER in multiple unrelated probands with variable features of CAKUTHED (DECIPHER; PMIDs: 36318887, 29036646); Other NMD-predicted variants comparable to the one identified in this case have very strong previous evidence for pathogenicity (DECIPHER). Additional information: This variant is heterozygous; This gene is associated with autosomal dominant disease; No published evidence of segregation with disease has been identified for this variant; No published functional evidence has been identified for this variant; Loss of function is a known mechanism of disease in this gene and is associated with congenital anomalies of kidney and urinary tract syndrome with or without hearing loss, abnormal ears, or developmental delay (MIM#617641); Variants in this gene are known to have variable expressivity. Phenotype varies greatly among patients, especially extra-renal manifestations (OMIM). Intrafamilial variability has also been reported (PMID: 33098248); Inheritance information for this variant is not currently available in this individual.

Equipe Genetique des Anomalies du Developpement, Université de Bourgogne
Classification: Pathogenic for Congenital anomalies of kidney and urinary tract syndrome with or without hearing loss, abnormal ears, or developmental delay. Last evaluated: 2023-11-09. Review status: criteria provided, single submitter. Criteria: ACMG Guidelines, 2015. Collection method: clinical testing. Allele origin: unknown. Inheritance: Autosomal dominant inheritance. Affected: yes.

PreventionGenetics, part of Exact Sciences
Classification: Pathogenic for PBX1-related condition. Last evaluated: 2023-05-26. Review status: criteria provided, single submitter. Criteria: ACMG Guidelines, 2015. Collection method: clinical testing. Allele origin: germline.
Comment: The PBX1 c.862C>T variant is predicted to result in premature protein termination (p.Arg288*). This variant was reported as a de novo finding in an individual with PBX1-related congenital anomalies of kidney and urinary tract syndrome with or without hearing loss, abnormal ears, or developmental delay (Slavotinek et al. 2017. PubMed ID: 29036646). This variant is reported in 0.0065% of alleles in individuals of European (Non-Finnish) descent in gnomAD. Nonsense variants in PBX1 are expected to be pathogenic. This variant is interpreted as pathogenic.

GeneDx
Classification: Pathogenic. Last evaluated: 2022-08-14. Review status: criteria provided, single submitter. Criteria: GeneDx Variant Classification Process June 2021. Collection method: clinical testing. Allele origin: germline. Affected: yes.
Comment: Nonsense variant predicted to result in protein truncation or nonsense mediated decay in a gene for which loss of function is a known mechanism of disease; This variant is associated with the following publications: (PMID: 31625560, 29036646, 35451537)

Literature cited by the submitters: PubMed 36318887 (cited by Victorian Clinical Genetics Services, Murdoch Childrens Research Institute); PubMed 29036646 (cited by Victorian Clinical Genetics Services, Murdoch Childrens Research Institute); PubMed 33098248 (cited by Victorian Clinical Genetics Services, Murdoch Childrens Research Institute).

NM_002585.4(PBX1):c.862C>T (p.Arg288Ter)

Gene: PBX1 (PBX homeobox 1; plus strand). Cytogenetic location: 1q23.3.
Variant type: single nucleotide variant.
Coding change: c.862C>T on transcript NM_002585.4 (MANE Select); coding-DNA position 862, C replaced by T.
Protein change: p.Arg288Ter; replaces arginine 288 with a stop codon.
Molecular consequence: nonsense.
Genome position (GRCh38, 1-based): chr1:164,812,014, C>T. VCF-style: chr1-164812014-C-T. GRCh37 (hg19) VCF-style: chr1-164781251-C-T.
Other names: c.862C>T, p.Arg288Ter (NM_001204961.2, NM_001204963.2, NM_001353131.2); c.613C>T, p.Arg205Ter (NM_001353130.1); short protein forms R205*, R288*.
Identifiers: ClinVar variation 2430577 (VCV002430577.5), dbSNP rs1259895025, ClinGen allele CA343471530.